The following is an entry in ClinVar:

NM_006517.5(SLC16A2):c.914C>T (p.Ala305Val)

Gene: SLC16A2 (solute carrier family 16 member 2; plus strand). Cytogenetic location: Xq13.2.
Variant type: single nucleotide variant.
Coding change: c.914C>T on transcript NM_006517.5 (MANE Select); coding-DNA position 914, C replaced by T.
Protein change: p.Ala305Val; replaces alanine 305 with valine.
Molecular consequence: missense variant.
Genome position (GRCh38, 1-based): chrX:74,524,697, C>T. VCF-style: chrX-74524697-C-T. GRCh37 (hg19) VCF-style: chrX-73744532-C-T.
Other names: short protein forms A305V.
Identifiers: ClinVar variation 664179 (VCV000664179.8), dbSNP rs1602142117, ClinGen allele CA413657558.

ClinVar aggregate classification (germline): Uncertain significance (1 of 4 stars; one submission).

Conditions:
Spastic paraplegia. Identifiers: MedGen C0037772, HP:0001258.

Allele frequency attached by ClinVar (database versions not stated): TOPMed below 0.00001.

Submission:

Labcorp Genetics (formerly Invitae), Labcorp
Classification: Uncertain significance for Spastic paraplegia. Last evaluated: 2023-08-10. Review status: criteria provided, single submitter. Criteria: Invitae Variant Classification Sherloc (09022015). Collection method: clinical testing. Allele origin: germline.
Comment: In summary, the available evidence is currently insufficient to determine the role of this variant in disease. Therefore, it has been classified as a Variant of Uncertain Significance. Algorithms developed to predict the effect of missense changes on protein structure and function output the following: SIFT: "Not Available"; PolyPhen-2: "Benign"; Align-GVGD: "Not Available". The valine amino acid residue is found in multiple mammalian species, which suggests that this missense change does not adversely affect protein function. ClinVar contains an entry for this variant (Variation ID: 664179). This variant has not been reported in the literature in individuals affected with SLC16A2-related conditions. This variant is not present in population databases (gnomAD no frequency). This sequence change replaces alanine, which is neutral and non-polar, with valine, which is neutral and non-polar, at codon 305 of the SLC16A2 protein (p.Ala305Val).